The following is an entry in ClinVar:

ClinVar aggregate classification (germline): Uncertain significance. Review status: criteria provided, multiple submitters, no conflicts (2 of 4 stars). 3 submissions from 3 submitters: Uncertain significance (3). Last evaluated 2024-12-04.

Conditions:
Inborn genetic diseases. Identifiers: MedGen C0950123, MeSH D030342.

Allele frequency attached by ClinVar (database versions not stated): gnomAD exomes below 0.00001; TOPMed below 0.00001; gnomAD 0.00001.
gnomAD v4.1: 4 of 1,613,968 alleles (0.00025%); highest among the groups gnomAD compares: Non-Finnish European, 0.00034%; no homozygotes.

Submissions (3):

Ambry Genetics
Classification: Uncertain significance for Inborn genetic diseases. Last evaluated: 2024-12-04. Review status: criteria provided, single submitter. Criteria: Ambry Variant Classification Scheme 2023. Collection method: clinical testing. Allele origin: germline.

Labcorp Genetics (formerly Invitae), Labcorp
Classification: Uncertain significance. Last evaluated: 2022-05-20. Review status: criteria provided, single submitter. Criteria: Invitae Variant Classification Sherloc (09022015). Collection method: clinical testing. Allele origin: germline.
Comment: In summary, the available evidence is currently insufficient to determine the role of this variant in disease. Therefore, it has been classified as a Variant of Uncertain Significance. Algorithms developed to predict the effect of missense changes on protein structure and function (SIFT, PolyPhen-2, Align-GVGD) all suggest that this variant is likely to be tolerated. ClinVar contains an entry for this variant (Variation ID: 867008). This variant has not been reported in the literature in individuals affected with IMPG2-related conditions. This variant is present in population databases (no rsID available, gnomAD 0.0009%). This sequence change replaces serine, which is neutral and polar, with glycine, which is neutral and non-polar, at codon 438 of the IMPG2 protein (p.Ser438Gly).

Blueprint Genetics
Classification: Uncertain significance. Last evaluated: 2017-08-24. Review status: criteria provided, single submitter. Criteria: ACMG Guidelines, 2015. Collection method: clinical testing. Allele origin: germline.

NM_016247.4(IMPG2):c.1312A>G (p.Ser438Gly)

Gene: IMPG2 (interphotoreceptor matrix proteoglycan 2; minus strand). Cytogenetic location: 3q12.3.
Variant type: single nucleotide variant.
Coding change: c.1312A>G on transcript NM_016247.4 (MANE Select); coding-DNA position 1312, A replaced by G.
Protein change: p.Ser438Gly; replaces serine 438 with glycine.
Molecular consequence: missense variant.
Genome position (GRCh38, 1-based): chr3:101,246,033, T>C on the plus strand (A>G on the coding strand, the complement: IMPG2 is on the minus strand). VCF-style: chr3-101246033-T-C. GRCh37 (hg19) VCF-style: chr3-100964877-T-C.
Other names: short protein forms S438G.
Identifiers: ClinVar variation 867008 (VCV000867008.9), dbSNP rs1411222579, ClinGen allele CA353862854.